The following is an entry in ClinVar:

NM_021072.4(HCN1):c.2303A>G (p.His768Arg)

Gene: HCN1 (hyperpolarization activated cyclic nucleotide gated potassium channel 1; minus strand). Cytogenetic location: 5p12.
Variant type: single nucleotide variant.
Coding change: c.2303A>G on transcript NM_021072.4 (MANE Select); coding-DNA position 2303, A replaced by G.
Protein change: p.His768Arg; replaces histidine 768 with arginine.
Molecular consequence: missense variant.
Genome position (GRCh38, 1-based): chr5:45,262,291, T>C on the plus strand (A>G on the coding strand, the complement: HCN1 is on the minus strand). VCF-style: chr5-45262291-T-C. GRCh37 (hg19) VCF-style: chr5-45262393-T-C.
Other names: short protein forms H768R.
Identifiers: ClinVar variation 1025986 (VCV001025986.9), dbSNP rs1561079128, ClinGen allele CA359703615.
Genomic context (GRCh38, chr5:45,262,291, plus strand): 5'-GCGGAGAGTGGCCTGACTTCCCGGGTCAGGTTGGTGTTGTGAAGCGCCTGCGTGCTCTTG[T>C]GCACTTCATTTTTCGGCGTGGAGCTGCCAGGTGTCTGTGGCTGCGGGGACGGCTGCTGTG-3'
Protein context (NP_066550.2, residues 758-778): PGSSTPKNEV[His768Arg]KSTQALHNTN

ClinVar aggregate classification (germline): Uncertain significance (1 of 4 stars; one submission).

Conditions:
Early-infantile DEE. Also called: Ohtahara syndrome; Early infantile epileptic encephalopathy; Early infantile epileptic encephalopathy with suppression bursts. Identifiers: Orphanet 1934, MedGen C0393706, MONDO:0800491.

Submission:

Labcorp Genetics (formerly Invitae), Labcorp
Classification: Uncertain significance for Early-infantile DEE. Last evaluated: 2020-07-31. Review status: criteria provided, single submitter. Criteria: Invitae Variant Classification Sherloc (09022015). Collection method: clinical testing. Allele origin: germline.
Comment: In summary, the available evidence is currently insufficient to determine the role of this variant in disease. Therefore, it has been classified as a Variant of Uncertain Significance. Advanced modeling of protein sequence and biophysical properties (such as structural, functional, and spatial information, amino acid conservation, physicochemical variation, residue mobility, and thermodynamic stability) performed at Invitae indicates that this missense variant is not expected to disrupt HCN1 protein function. This variant has not been reported in the literature in individuals with HCN1-related conditions. This variant is not present in population databases (ExAC no frequency). This sequence change replaces histidine with arginine at codon 768 of the HCN1 protein (p.His768Arg). The histidine residue is highly conserved and there is a small physicochemical difference between histidine and arginine.